The following is an entry in ClinVar:

ClinVar aggregate classification (germline): Uncertain significance. Review status: criteria provided, multiple submitters, no conflicts (2 of 4 stars). 2 submissions from 2 submitters: Uncertain significance (2). Last evaluated 2022-10-05.

Conditions:
Severe combined immunodeficiency due to DNA-PKcs deficiency. Also called: IMMUNODEFICIENCY 26 WITH NEUROLOGIC ABNORMALITIES; Immunodeficiency 26 with or without neurologic abnormalities. Identifiers: Orphanet 317425, MedGen C4014833, MONDO:0014423, OMIM 615966.

Allele frequency attached by ClinVar (database versions not stated): ESP Exome Variant Server 0.00008; gnomAD 0.00009; TOPMed 0.00009; gnomAD exomes 0.00012; ExAC 0.00015.
gnomAD v4.1: 80 of 1,588,488 alleles (0.005%); highest among the groups gnomAD compares: Admixed American, 0.011%; no homozygotes.

Submissions (2):

Labcorp Genetics (formerly Invitae), Labcorp
Classification: Uncertain significance for Severe combined immunodeficiency due to DNA-PKcs deficiency. Last evaluated: 2022-10-05. Review status: criteria provided, single submitter. Criteria: Invitae Variant Classification Sherloc (09022015). Collection method: clinical testing. Allele origin: germline.
Comment: This sequence change replaces threonine, which is neutral and polar, with alanine, which is neutral and non-polar, at codon 1703 of the PRKDC protein (p.Thr1703Ala). This variant is present in population databases (rs376188635, gnomAD 0.2%). This variant has not been reported in the literature in individuals affected with PRKDC-related conditions. ClinVar contains an entry for this variant (Variation ID: 1009162). Experimental studies and prediction algorithms are not available or were not evaluated, and the functional significance of this variant is currently unknown. In summary, the available evidence is currently insufficient to determine the role of this variant in disease. Therefore, it has been classified as a Variant of Uncertain Significance.

Center for Genomics, Ann and Robert H. Lurie Children's Hospital of Chicago
Classification: Uncertain significance for Severe combined immunodeficiency due to DNA-PKcs deficiency. Last evaluated: 2022-07-12. Review status: criteria provided, single submitter. Criteria: ACMG Guidelines, 2015. Collection method: clinical testing. Allele origin: germline.
Comment: This variant has not been reported in the literature but is present in the Genome Aggregation Database (Highest reported MAF 0.01% (3/15262). This variant is present in ClinVar (Variation ID:1009162). Evolutionary conservation and computational predictive tools suggest that this variant may not impact the protein. In summary, data on this variant is insufficient for disease classification. Therefore, the clinical significance of this variant is uncertain.

NM_006904.7(PRKDC):c.5107A>G (p.Thr1703Ala)

Gene: PRKDC (protein kinase, DNA-activated, catalytic subunit; minus strand). Cytogenetic location: 8q11.21.
Variant type: single nucleotide variant.
Coding change: c.5107A>G on transcript NM_006904.7 (MANE Select); coding-DNA position 5107, A replaced by G.
Protein change: p.Thr1703Ala; replaces threonine 1703 with alanine.
Molecular consequence: missense variant.
Genome position (GRCh38, 1-based): chr8:47,879,619, T>C on the plus strand (A>G on the coding strand, the complement: PRKDC is on the minus strand). VCF-style: chr8-47879619-T-C. GRCh37 (hg19) VCF-style: chr8-48792180-T-C.
Other names: c.5107A>G, p.Thr1703Ala (NM_001081640.2); short protein forms T1703A.
Identifiers: ClinVar variation 1009162 (VCV001009162.4), dbSNP rs376188635, ClinGen allele CA4740710.